The following is an entry in ClinVar:

NM_004569.5(PIGH):c.165C>A (p.Leu55=)

Genes: GPHN (gephyrin; plus strand), PIGH (phosphatidylinositol glycan anchor biosynthesis class H; minus strand), LOC130055900 (ATAC-STARR-seq lymphoblastoid active region 8583; plus strand). Cytogenetic location: 14q24.1.
Variant type: single nucleotide variant.
Coding change: c.165C>A on transcript NM_004569.5 (MANE Select); coding-DNA position 165, C replaced by A.
Protein change: p.Leu55=; no amino-acid change (leucine 55 retained).
Molecular consequence: synonymous variant.
Genome position (GRCh38, 1-based): chr14:67,600,039, G>T on the plus strand (C>A on the coding strand, the complement: PIGH is on the minus strand). VCF-style: chr14-67600039-G-T. GRCh37 (hg19) VCF-style: chr14-68066756-G-T.
Other names: c.165C>A, p.Leu55= (NM_001363694.2).
Identifiers: ClinVar variation 3045133 (VCV003045133.2), dbSNP rs201381653, ClinGen allele CA7237612.
Genomic context (GRCh38, chr14:67,600,039, plus strand): 5'-CGAACCCCCTCCTTCGAGCGCGGGGAGGGGCCGACTTGCCATTACCTCGCAGAGGGTGAA[G>T]AGTCCGTAGGCCGCCAGCCACACCGTGCAGGTGACAGCGGTGAGCGAACGCAGCGAGAGC-3'
Protein context (NP_004560.1, residues 45-65): TCTVWLAAYG[Leu55=]FTLCENSMIL

ClinVar aggregate classification (germline): Likely benign (0 of 4 stars; one submission).

Conditions:
PIGH-related disorder. Also called: PIGH-related condition.

Allele frequency attached by ClinVar (database versions not stated): 1000 Genomes Project 30x 0.00031; 1000 Genomes Project 0.00040; gnomAD 0.00009; ExAC 0.00038.
gnomAD v4.1: 107 of 1,573,352 alleles (0.0068%); highest among the groups gnomAD compares: East Asian, 0.24%; 1 homozygote.

Submission:

PreventionGenetics, part of Exact Sciences
Classification: Likely benign for PIGH-related condition. Last evaluated: 2019-10-28. Review status: no assertion criteria provided. Collection method: clinical testing. Allele origin: germline.
Comment: This variant is classified as likely benign based on ACMG/AMP sequence variant interpretation guidelines (Richards et al. 2015 PMID: 25741868, with internal and published modifications).